The following is an entry in ClinVar:

NM_000023.4(SGCA):c.1153_1163del (p.Asp385fs)

Gene: SGCA (sarcoglycan alpha; plus strand). Cytogenetic location: 17q21.33.
Variant type: Deletion.
Coding change: c.1153_1163del on transcript NM_000023.4 (MANE Select); coding-DNA positions 1153 to 1163, 11 bases deleted (GACCAGCACTG).
Protein change: p.Asp385fs; shifts the reading frame from aspartic acid 385.
Molecular consequence: frameshift variant. On other transcripts: non-coding transcript variant (1).
Genome position (GRCh38, 1-based): chr17:50,175,426-50,175,436, GACCAGCACTG deleted; deleting any 11 consecutive bases within chr17:50,175,423-50,175,436 gives the same sequence; the c. name uses the placement nearest the transcript's 3' end. VCF-style (leftmost placement, unchanged base first): chr17-50175422-TCTGGACCAGCA-T. GRCh37 (hg19) VCF-style: chr17-48252783-TCTGGACCAGCA-T.
Other names: NM_000023.4(SGCA):c.1153_1163del; p.Asp385fs; c.781_791del, p.Asp261fs (NM_001135697.3); c.1153_*6delinsACAGCCT (NM_000023.2); short protein forms D261fs, D385fs.
Identifiers: ClinVar variation 594086 (VCV000594086.11), dbSNP rs1487379783, ClinGen allele CA626689324.

ClinVar aggregate classification (germline): Uncertain significance. Review status: reviewed by expert panel (3 of 4 stars). 4 submissions from 4 submitters: Uncertain significance (1). 3 of the submissions do not count toward it. Last evaluated 2025-01-07.

Conditions:
Autosomal recessive limb-girdle muscular dystrophy. Identifiers: Orphanet 102015, MedGen C2931907, MONDO:0015152.
Autosomal recessive limb-girdle muscular dystrophy type 2D (LGMDR3). Also called: MUSCULAR DYSTROPHY, LIMB-GIRDLE, AUTOSOMAL RECESSIVE 3; ADHALINOPATHY, PRIMARY; DUCHENNE-LIKE AUTOSOMAL RECESSIVE MUSCULAR DYSTROPHY, TYPE 2. Identifiers: Orphanet 62, MedGen C2936332, MONDO:0011968, OMIM 608099. Disease mechanism: Affects gamma-sarcoglycan and also disrupts the integrity of the entire sarcoglycan complex..

Submissions (4):

ClinGen Limb Girdle Muscular Dystrophy Variant Curation Expert Panel, ClinGen
Classification: Uncertain significance for Autosomal recessive limb-girdle muscular dystrophy. Last evaluated: 2025-01-07. Review status: reviewed by expert panel. Criteria: ClinGen LGMD VCEP ACMG Specifications SGCA V1.0.0. Collection method: curation. Allele origin: germline. Inheritance: Autosomal recessive inheritance.
Comment: The NM_000023.4: c.1153_1163del p.(Asp385ThrfsTer3) variant in SGCA is expected to cause a frameshift of the last four amino acids of the protein without premature truncation, which may disrupt the function of the protein; however, the resulting transcript is predicted to escape nonsense mediated decay (PVS1_Moderate). The highest population minor allele frequency of this variant is 0.00006 (1/15750 alleles) in the African/African American population in gnomAD v2.1.1, which is less than the ClinGen LGMD VCEP threshold (0.00009) for PM2_Supporting, meeting this criterion (PM2_Supporting). In summary, this variant cannot be classified as pathogenic nor benign at this time and remains a variant of uncertain significance for autosomal recessive limb girdle muscular dystrophy based on the ACMG/AMP criteria applied, as specified by the ClinGen LGMD VCEP (LGMD VCEP specifications version 1.0.0; 01/07/2025): PVS1_Moderate, PM2_Supporting.

Genome-Nilou Lab
Classification: Uncertain significance for Autosomal recessive limb-girdle muscular dystrophy type 2D. Last evaluated: 2023-02-08. Review status: criteria provided, single submitter. Criteria: ACMG Guidelines, 2015. Collection method: clinical testing. Allele origin: germline. Not counted in ClinVar's aggregate classification.

Labcorp Genetics (formerly Invitae), Labcorp
Classification: Uncertain significance for Autosomal recessive limb-girdle muscular dystrophy type 2D. Last evaluated: 2021-08-24. Review status: criteria provided, single submitter. Criteria: Invitae Variant Classification Sherloc (09022015). Collection method: clinical testing. Allele origin: germline. Not counted in ClinVar's aggregate classification.

Eurofins Ntd Llc (ga)
Classification: Uncertain significance. Last evaluated: 2017-09-25. Review status: criteria provided, single submitter. Criteria: EGL Classification Definitions 2015. Collection method: clinical testing. Allele origin: germline. Observed: 1 variant allele, 1 heterozygote. Not counted in ClinVar's aggregate classification.